The following is an entry in ClinVar:

ClinVar aggregate classification (germline): Uncertain significance. Review status: criteria provided, multiple submitters, no conflicts (2 of 4 stars). 2 submissions from 2 submitters: Uncertain significance (2). Last evaluated 2023-07-25.

Conditions:
Rapadilino syndrome. Identifiers: Orphanet 3021, MedGen C1849453, MONDO:0009955, OMIM 266280.
Rothmund-Thomson syndrome type 2 (RTS2). Identifiers: Orphanet 221016, MedGen C5203410, MONDO:0016369, OMIM 268400.
Baller-Gerold syndrome (BGS). Also called: CRANIOSYNOSTOSIS WITH RADIAL DEFECTS. Identifiers: Orphanet 1225, MedGen C0265308, MONDO:0009039, OMIM 218600.

Allele frequency attached by ClinVar (database versions not stated): TOPMed below 0.00001; gnomAD exomes 0.00001.
gnomAD v4.1: 1 of 1,575,862 alleles (0.000063%); highest among the groups gnomAD compares: African/African-American, 0.0014%; no homozygotes.

Submissions (2):

Labcorp Genetics (formerly Invitae), Labcorp
Classification: Uncertain significance for Baller-Gerold syndrome. Last evaluated: 2023-07-25. Review status: criteria provided, single submitter. Criteria: Invitae Variant Classification Sherloc (09022015). Collection method: clinical testing. Allele origin: germline.
Comment: In summary, the available evidence is currently insufficient to determine the role of this variant in disease. Therefore, it has been classified as a Variant of Uncertain Significance. Advanced modeling of protein sequence and biophysical properties (such as structural, functional, and spatial information, amino acid conservation, physicochemical variation, residue mobility, and thermodynamic stability) performed at Invitae indicates that this missense variant is expected to disrupt RECQL4 protein function. ClinVar contains an entry for this variant (Variation ID: 857861). This variant has not been reported in the literature in individuals affected with RECQL4-related conditions. The frequency data for this variant in the population databases is considered unreliable, as metrics indicate poor data quality at this position in the gnomAD database. This sequence change replaces cysteine, which is neutral and slightly polar, with tyrosine, which is neutral and polar, at codon 707 of the RECQL4 protein (p.Cys707Tyr).

Fulgent Genetics
Classification: Uncertain significance for Baller-Gerold syndrome; Rapadilino syndrome; Rothmund-Thomson syndrome type 2. Last evaluated: 2022-03-04. Review status: criteria provided, single submitter. Criteria: ACMG Guidelines, 2015. Collection method: clinical testing. Allele origin: unknown.

NM_004260.4(RECQL4):c.2120G>A (p.Cys707Tyr)

Gene: RECQL4 (RecQ like helicase 4; minus strand). Cytogenetic location: 8q24.3.
Variant type: single nucleotide variant.
Coding change: c.2120G>A on transcript NM_004260.4 (MANE Select); coding-DNA position 2120, G replaced by A.
Protein change: p.Cys707Tyr; replaces cysteine 707 with tyrosine.
Molecular consequence: missense variant.
Genome position (GRCh38, 1-based): chr8:144,513,651, C>T on the plus strand (G>A on the coding strand, the complement: RECQL4 is on the minus strand). VCF-style: chr8-144513651-C-T. GRCh37 (hg19) VCF-style: chr8-145739035-C-T.
Other names: short protein forms C707Y.
Identifiers: ClinVar variation 857861 (VCV000857861.6), dbSNP rs1351785836, ClinGen allele CA372679858.